The following is an entry in ClinVar:

NM_021222.3(PRUNE1):c.723_726del (p.Tyr242fs)

Gene: PRUNE1 (prune exopolyphosphatase 1; plus strand). Cytogenetic location: 1q21.3.
Variant type: Microsatellite.
Coding change: c.723_726del on transcript NM_021222.3 (MANE Select); coding-DNA positions 723 to 726, 4 bases deleted (CTAT; older notation c.723_726delCTAT).
Protein change: p.Tyr242fs; shifts the reading frame from tyrosine 242.
Molecular consequence: frameshift variant. On other transcripts: non-coding transcript variant (4).
Genome position (GRCh38, 1-based): chr1:151,027,276-151,027,279, CTAT deleted; deleting any 4 consecutive bases within chr1:151,027,272-151,027,279 gives the same sequence; the c. name uses the placement nearest the transcript's 3' end. VCF-style (leftmost placement, unchanged base first): chr1-151027271-ACTAT-A. GRCh37 (hg19) VCF-style: chr1-150999747-ACTAT-A.
Other names: c.177_180del, p.Tyr60fs (NM_001303229.2); c.723_726del, p.Tyr242fs (NM_001303242.2); c.120_123del, p.Tyr41fs (NM_001303243.2); short protein forms Y41fs, Y242fs, Y60fs.
Identifiers: ClinVar variation 2717697 (VCV002717697.3), dbSNP rs1300245991, ClinGen allele CA526290574.

ClinVar aggregate classification (germline): Pathogenic (1 of 4 stars; one submission).

Submission:

Labcorp Genetics (formerly Invitae), Labcorp
Classification: Pathogenic. Last evaluated: 2023-06-16. Review status: criteria provided, single submitter. Criteria: Invitae Variant Classification Sherloc (09022015). Collection method: clinical testing. Allele origin: germline.
Comment: This sequence change creates a premature translational stop signal (p.Tyr242Aspfs*43) in the PRUNE1 gene. It is expected to result in an absent or disrupted protein product. Loss-of-function variants in PRUNE1 are known to be pathogenic (PMID: 26539891, 29797509). This variant is present in population databases (no rsID available, gnomAD 0.003%). This variant has not been reported in the literature in individuals affected with PRUNE1-related conditions. For these reasons, this variant has been classified as Pathogenic.

Literature cited by the submitters: PubMed 26539891; PubMed 29797509.